The following is an entry in ClinVar:

ClinVar aggregate classification (germline): Conflicting classifications of pathogenicity. Review status: criteria provided, conflicting classifications (1 of 4 stars). 2 submissions from 2 submitters: Pathogenic (1); Uncertain significance (1). Last evaluated 2025-10-13.

Conditions:
Galloway-Mowat syndrome 3. Identifiers: MedGen C4540266, MONDO:0033007, OMIM 617729.

Allele frequency attached by ClinVar (database versions not stated): ExAC 0.00001; gnomAD 0.00001; gnomAD exomes 0.00001 and 0.00009; TOPMed 0.00001.
gnomAD v4.1: 126 of 1,613,416 alleles (0.0078%); highest among the groups gnomAD compares: Non-Finnish European, 0.011%; no homozygotes.

Submissions (2):

Labcorp Genetics (formerly Invitae), Labcorp
Classification: Pathogenic. Last evaluated: 2025-10-13. Review status: criteria provided, single submitter. Criteria: Invitae Variant Classification Sherloc (09022015). Collection method: clinical testing. Allele origin: germline.
Comment: This sequence change creates a premature translational stop signal (p.Gln255*) in the OSGEP gene. It is expected to result in an absent or disrupted protein product. Loss-of-function variants in OSGEP are known to be pathogenic (PMID: 28805828, 34666032). This variant is present in population databases (rs200126749, gnomAD 0.003%). This variant has not been reported in the literature in individuals affected with OSGEP-related conditions. ClinVar contains an entry for this variant (Variation ID: 1431992). Algorithms developed to predict the effect of sequence changes on RNA splicing suggest that this variant may disrupt the consensus splice site. For these reasons, this variant has been classified as Pathogenic.

Fulgent Genetics
Classification: Uncertain significance for Galloway-Mowat syndrome 3. Last evaluated: 2022-02-09. Review status: criteria provided, single submitter. Criteria: ACMG Guidelines, 2015. Collection method: clinical testing. Allele origin: unknown.

Literature cited by the submitters: PubMed 28805828 (cited by Labcorp Genetics (formerly Invitae), Labcorp); PubMed 34666032 (cited by Labcorp Genetics (formerly Invitae), Labcorp).

NM_017807.4(OSGEP):c.763C>T (p.Gln255Ter)

Gene: OSGEP (O-sialoglycoprotein endopeptidase; minus strand). Cytogenetic location: 14q11.2.
Variant type: single nucleotide variant.
Coding change: c.763C>T on transcript NM_017807.4 (MANE Select); coding-DNA position 763, C replaced by T.
Protein change: p.Gln255Ter; replaces glutamine 255 with a stop codon.
Molecular consequence: nonsense.
Genome position (GRCh38, 1-based): chr14:20,447,934, G>A on the plus strand (C>T on the coding strand, the complement: OSGEP is on the minus strand). VCF-style: chr14-20447934-G-A. GRCh37 (hg19) VCF-style: chr14-20916093-G-A.
Other names: short protein forms Q255*.
Identifiers: ClinVar variation 1431992 (VCV001431992.5), dbSNP rs200126749, ClinGen allele CA7081097.
Genomic context (GRCh38, chr14:20,447,934, plus strand): 5'-GAAAGAGGAACACTTTTCAATAATACATACACCCCACTCCTCCCACAATGAGGGCCTCCT[G>A]GGAGCCACAATGTGCCATGGCTCGCTCTGTGATCTCTACCAGCATTGCAAACACAGTTTC-3'